The following is an entry in ClinVar:

ClinVar aggregate classification (germline): Uncertain significance. Review status: criteria provided, multiple submitters, no conflicts (2 of 4 stars). 2 submissions from 2 submitters: Uncertain significance (2). Last evaluated 2024-10-25.

Conditions:
ZNF423-related disorder. Also called: ZNF423-related condition.
Nephronophthisis 14 (NPHP14). Identifiers: Orphanet 2318, MedGen C3539071, MONDO:0013916, OMIM 614844.

Allele frequency attached by ClinVar (database versions not stated): TOPMed below 0.00001; gnomAD 0.00001; gnomAD exomes 0.00002.
gnomAD v4.1: 36 of 1,614,114 alleles (0.0022%); highest among the groups gnomAD compares: Non-Finnish European, 0.0029%; no homozygotes.

Submissions (2):

PreventionGenetics, part of Exact Sciences
Classification: Uncertain significance for ZNF423-related condition. Last evaluated: 2024-10-25. Review status: criteria provided, single submitter. Criteria: ACMG Guidelines, 2015. Collection method: clinical testing. Allele origin: germline.
Comment: The ZNF423 c.1877C>T variant is predicted to result in the amino acid substitution p.Ser626Phe. To our knowledge, this variant has not been reported in the literature. This variant is reported in 0.0044% of alleles in individuals of European (Non-Finnish) descent in gnomAD. At this time, the clinical significance of this variant is uncertain due to the absence of conclusive functional and genetic evidence.

Labcorp Genetics (formerly Invitae), Labcorp
Classification: Uncertain significance for Nephronophthisis 14. Last evaluated: 2023-08-14. Review status: criteria provided, single submitter. Criteria: Invitae Variant Classification Sherloc (09022015). Collection method: clinical testing. Allele origin: germline.
Comment: In summary, the available evidence is currently insufficient to determine the role of this variant in disease. Therefore, it has been classified as a Variant of Uncertain Significance. Advanced modeling of protein sequence and biophysical properties (such as structural, functional, and spatial information, amino acid conservation, physicochemical variation, residue mobility, and thermodynamic stability) performed at Invitae indicates that this missense variant is not expected to disrupt ZNF423 protein function. ClinVar contains an entry for this variant (Variation ID: 1425688). This variant has not been reported in the literature in individuals affected with ZNF423-related conditions. This variant is present in population databases (no rsID available, gnomAD 0.004%). This sequence change replaces serine, which is neutral and polar, with phenylalanine, which is neutral and non-polar, at codon 626 of the ZNF423 protein (p.Ser626Phe).

NM_001379286.1(ZNF423):c.1901C>T (p.Ser634Phe)

Gene: ZNF423 (zinc finger protein 423; minus strand). Cytogenetic location: 16q12.1.
Variant type: single nucleotide variant.
Coding change: c.1901C>T on transcript NM_001379286.1 (MANE Select); coding-DNA position 1901, C replaced by T.
Protein change: p.Ser634Phe; replaces serine 634 with phenylalanine.
Molecular consequence: missense variant.
Genome position (GRCh38, 1-based): chr16:49,637,275, G>A on the plus strand (C>T on the coding strand, the complement: ZNF423 is on the minus strand). VCF-style: chr16-49637275-G-A. GRCh37 (hg19) VCF-style: chr16-49671186-G-A.
Other names: c.1877C>T (NM_015069.4); c.1697C>T, p.Ser566Phe (NM_001271620.2); c.1526C>T, p.Ser509Phe (NM_001330533.2); c.1877C>T, p.Ser626Phe (NM_015069.5); short protein forms S509F, S566F, S626F, S634F.
Identifiers: ClinVar variation 1425688 (VCV001425688.5), dbSNP rs1244650326, ClinGen allele CA395845786.